The following is an entry in ClinVar:

NM_019074.4(DLL4):c.1321G>A (p.Val441Ile)

Gene: DLL4 (delta like canonical Notch ligand 4; plus strand). Cytogenetic location: 15q15.1.
Variant type: single nucleotide variant.
Coding change: c.1321G>A on transcript NM_019074.4 (MANE Select); coding-DNA position 1321, G replaced by A.
Protein change: p.Val441Ile; replaces valine 441 with isoleucine.
Molecular consequence: missense variant.
Genome position (GRCh38, 1-based): chr15:40,936,308, G>A. VCF-style: chr15-40936308-G-A. GRCh37 (hg19) VCF-style: chr15-41228506-G-A.
Other names: c.1321G>A (NM_019074.3); short protein forms V441I.
Identifiers: ClinVar variation 1418350 (VCV001418350.7), dbSNP rs374162819, ClinGen allele CA7487913.

ClinVar aggregate classification (germline): Conflicting classifications of pathogenicity. Review status: criteria provided, conflicting classifications (1 of 4 stars). 2 submissions from 2 submitters: Uncertain significance (1); Likely benign (1). Last evaluated 2022-11-30.

Conditions:
Inborn genetic diseases. Identifiers: MedGen C0950123, MeSH D030342.

Allele frequency attached by ClinVar (database versions not stated): gnomAD exomes 0.00002 and 0.00004; gnomAD 0.00003 and 0.00004; TOPMed 0.00005; ExAC 0.00006; ESP Exome Variant Server 0.00008.

Submissions (2):

Ambry Genetics
Classification: Likely benign for Inborn genetic diseases. Last evaluated: 2022-11-30. Review status: criteria provided, single submitter. Criteria: Ambry Variant Classification Scheme 2023. Collection method: clinical testing. Allele origin: germline.

Labcorp Genetics (formerly Invitae), Labcorp
Classification: Uncertain significance. Last evaluated: 2022-06-28. Review status: criteria provided, single submitter. Criteria: Invitae Variant Classification Sherloc (09022015). Collection method: clinical testing. Allele origin: germline.
Comment: In summary, the available evidence is currently insufficient to determine the role of this variant in disease. Therefore, it has been classified as a Variant of Uncertain Significance. Algorithms developed to predict the effect of missense changes on protein structure and function output the following: SIFT: "Tolerated"; PolyPhen-2: "Benign"; Align-GVGD: "Class C0". The isoleucine amino acid residue is found in multiple mammalian species, which suggests that this missense change does not adversely affect protein function. This variant has not been reported in the literature in individuals affected with DLL4-related conditions. This variant is present in population databases (rs374162819, gnomAD 0.03%). This sequence change replaces valine, which is neutral and non-polar, with isoleucine, which is neutral and non-polar, at codon 441 of the DLL4 protein (p.Val441Ile).